The following is an entry in ClinVar:

NM_004006.3(DMD):c.6136C>T (p.Gln2046Ter)

Gene: DMD (dystrophin; minus strand). Cytogenetic location: Xp21.1.
Variant type: single nucleotide variant.
Coding change: c.6136C>T on transcript NM_004006.3 (MANE Select); coding-DNA position 6136, C replaced by T.
Protein change: p.Gln2046Ter; replaces glutamine 2046 with a stop codon.
Molecular consequence: nonsense.
Genome position (GRCh38, 1-based): chrX:32,287,683, G>A on the plus strand (C>T on the coding strand, the complement: DMD is on the minus strand). VCF-style: chrX-32287683-G-A. GRCh37 (hg19) VCF-style: chrX-32305800-G-A.
Other names: c.6112C>T, p.Gln2038Ter (NM_000109.4); c.6124C>T, p.Gln2042Ter (NM_004009.3); c.5767C>T, p.Gln1923Ter (NM_004010.3); c.2113C>T, p.Gln705Ter (NM_004011.4); c.2104C>T, p.Gln702Ter (NM_004012.4); short protein forms Q1923*, Q2038*, Q2042*, Q2046*, Q702*, Q705*.
Identifiers: ClinVar variation 1322444 (VCV001322444.7), dbSNP rs2148457829, ClinGen allele CA412666577.

ClinVar aggregate classification (germline): Pathogenic/Likely pathogenic. Review status: criteria provided, multiple submitters, no conflicts (2 of 4 stars). 2 submissions from 2 submitters: Pathogenic (1); Likely pathogenic (1). Last evaluated 2024-12-06.

Conditions:
Duchenne muscular dystrophy (DMD). Also called: MUSCULAR DYSTROPHY, PSEUDOHYPERTROPHIC PROGRESSIVE, DUCHENNE TYPE; Duchenne Muscular Dystrophy (DMD). Identifiers: Orphanet 98896, MedGen C0013264, MONDO:0010679, OMIM 310200.
Cardiovascular phenotype. Identifiers: MedGen CN230736.

Submissions (2):

Molecular Diagnostic Laboratory for Inherited Cardiovascular Disease, Montreal Heart Institute
Classification: Likely pathogenic for Cardiovascular phenotype. Last evaluated: 2024-12-06. Review status: criteria provided, single submitter. Criteria: ACMG Guidelines, 2015. Collection method: clinical testing. Allele origin: germline. Affected: yes.
Comment: PVS1, PM2

Labcorp Genetics (formerly Invitae), Labcorp
Classification: Pathogenic for Duchenne muscular dystrophy. Last evaluated: 2023-03-20. Review status: criteria provided, single submitter. Criteria: Invitae Variant Classification Sherloc (09022015). Collection method: clinical testing. Allele origin: germline.
Comment: This sequence change creates a premature translational stop signal (p.Gln2046*) in the DMD gene. It is expected to result in an absent or disrupted protein product. Loss-of-function variants in DMD are known to be pathogenic (PMID: 16770791, 25007885). This variant is not present in population databases (gnomAD no frequency). This premature translational stop signal has been observed in individual(s) with Duchenne muscular dystrophy (PMID: 28859693). ClinVar contains an entry for this variant (Variation ID: 1322444). For these reasons, this variant has been classified as Pathogenic.

Literature cited by the submitters: PubMed 16770791 (cited by Labcorp Genetics (formerly Invitae), Labcorp); PubMed 25007885 (cited by Labcorp Genetics (formerly Invitae), Labcorp); PubMed 28859693 (cited by Labcorp Genetics (formerly Invitae), Labcorp).